The following is an entry in ClinVar:

ClinVar aggregate classification (germline): Uncertain significance. Review status: criteria provided, multiple submitters, no conflicts (2 of 4 stars). 2 submissions from 2 submitters: Uncertain significance (2). Last evaluated 2025-08-27.

Conditions:
Autosomal dominant polycystic kidney disease. Identifiers: Orphanet 730, MedGen C0085413, MONDO:0004691.

Allele frequency attached by ClinVar (database versions not stated): ExAC 0.00001; gnomAD 0.00001; gnomAD exomes 0.00001; TOPMed 0.00001.
gnomAD v4.1: 18 of 1,613,546 alleles (0.0011%); highest among the groups gnomAD compares: East Asian, 0.0022%; no homozygotes.

Submissions (2):

Labcorp Genetics (formerly Invitae), Labcorp
Classification: Uncertain significance for Autosomal dominant polycystic kidney disease. Last evaluated: 2025-08-27. Review status: criteria provided, single submitter. Criteria: Invitae Variant Classification Sherloc (09022015). Collection method: clinical testing. Allele origin: germline.
Comment: This sequence change replaces glycine, which is neutral and non-polar, with serine, which is neutral and polar, at codon 240 of the PKD2 protein (p.Gly240Ser). This variant is present in population databases (rs749437083, gnomAD 0.004%). This variant has not been reported in the literature in individuals affected with PKD2-related conditions. ClinVar contains an entry for this variant (Variation ID: 2193727). Invitae Evidence Modeling of protein sequence and biophysical properties (such as structural, functional, and spatial information, amino acid conservation, physicochemical variation, residue mobility, and thermodynamic stability) indicates that this missense variant is not expected to disrupt PKD2 protein function with a negative predictive value of 80%. In summary, the available evidence is currently insufficient to determine the role of this variant in disease. Therefore, it has been classified as a Variant of Uncertain Significance.

Women's Health and Genetics/Laboratory Corporation of America, LabCorp
Classification: Uncertain significance. Last evaluated: 2024-12-31. Review status: criteria provided, single submitter. Criteria: LabCorp Variant Classification Summary - May 2015. Collection method: clinical testing. Allele origin: germline.
Comment: Variant summary: PKD2 c.718G>A (p.Gly240Ser) results in a non-conservative amino acid change located in the Polycystin domain (IPR046791) of the encoded protein sequence. Three of five in-silico tools predict a damaging effect of the variant on protein function. The variant allele was found at a frequency of 1.6e-05 in 250178 control chromosomes. The available data on variant occurrences in the general population are insufficient to allow any conclusion about variant significance. To our knowledge, no occurrence of c.718G>A in individuals affected with Polycystic Kidney Disease 2 and no experimental evidence demonstrating its impact on protein function have been reported. ClinVar contains an entry for this variant (Variation ID: 2193727). Based on the evidence outlined above, the variant was classified as uncertain significance.

NM_000297.4(PKD2):c.718G>A (p.Gly240Ser)

Gene: PKD2 (polycystin 2, transient receptor potential cation channel; plus strand). Cytogenetic location: 4q22.1.
Variant type: single nucleotide variant.
Coding change: c.718G>A on transcript NM_000297.4 (MANE Select); coding-DNA position 718, G replaced by A.
Protein change: p.Gly240Ser; replaces glycine 240 with serine.
Molecular consequence: missense variant. On other transcripts: non-coding transcript variant (1).
Genome position (GRCh38, 1-based): chr4:88,036,228, G>A. VCF-style: chr4-88036228-G-A. GRCh37 (hg19) VCF-style: chr4-88957380-G-A.
Other names: short protein forms G240S.
Identifiers: ClinVar variation 2193727 (VCV002193727.5), dbSNP rs749437083, ClinGen allele CA3003784.